The following is an entry in ClinVar:

ClinVar aggregate classification (germline): Likely pathogenic (1 of 4 stars; one submission).

Submission:

GeneDx
Classification: Likely pathogenic. Last evaluated: 2023-04-18. Review status: criteria provided, single submitter. Criteria: GeneDx Variant Classification Process June 2021. Collection method: clinical testing. Allele origin: germline. Affected: yes.
Comment: Nonsense variant predicted to result in protein truncation or nonsense mediated decay in a gene for which loss of function is a known mechanism of disease; Not observed at significant frequency in large population cohorts (gnomAD); Observed in an individual undergoing genetic testing for evaluation of Neurofibromatosis type 2 or schwannomatosis (Wallace et al., 2004); This variant is associated with the following publications: (PMID: 25525159, 15684865)

NM_000268.4(NF2):c.367A>T (p.Lys123Ter)

Gene: NF2 (NF2, moesin-ezrin-radixin like (MERLIN) tumor suppressor; plus strand). Cytogenetic location: 22q12.2.
Variant type: single nucleotide variant.
Coding change: c.367A>T on transcript NM_000268.4 (MANE Select); coding-DNA position 367, A replaced by T.
Protein change: p.Lys123Ter; replaces lysine 123 with a stop codon.
Molecular consequence: nonsense. On other transcripts: 5 prime UTR variant (1), non-coding transcript variant (1).
Genome position (GRCh38, 1-based): chr22:29,642,205, A>T. VCF-style: chr22-29642205-A-T. GRCh37 (hg19) VCF-style: chr22-30038194-A-T.
Other names: c.253A>T, p.Lys85Ter (NM_001407053.1, NM_001407056.1); c.244A>T, p.Lys82Ter (NM_001407054.1, NM_001407058.1, NM_001407062.1 and 1 more transcripts); c.241A>T, p.Lys81Ter (NM_001407055.1, NM_181828.3); c.367A>T, p.Lys123Ter (NM_001407057.1, NM_001407059.1, NM_001407060.1 and 5 more transcripts); c.118A>T, p.Lys40Ter (NM_001407063.1, NM_001407064.1, NM_181830.3 and 1 more transcripts); c.-274A>T (NM_001407065.1); c.136A>T, p.Lys46Ter (NM_001407067.1); short protein forms K123*, K40*, K46*, K81*, K82*, K85*.
Identifiers: ClinVar variation 2662854 (VCV002662854.1), dbSNP rs2146892731, ClinGen allele CA411153715.